The following is an entry in ClinVar:

ClinVar aggregate classification (germline): Uncertain significance (1 of 4 stars; one submission).

gnomAD v4.1: 3 of 1,210,007 alleles (0.00025%); highest among the groups gnomAD compares: Non-Finnish European, 0.00034%; no homozygotes.

Submission:

GeneDx
Classification: Uncertain significance. Last evaluated: 2024-09-03. Review status: criteria provided, single submitter. Criteria: GeneDx Variant Classification Process June 2021. Collection method: clinical testing. Allele origin: germline. Affected: yes.
Comment: Not observed at significant frequency in large population cohorts (gnomAD); In silico analysis supports that this missense variant has a deleterious effect on protein structure/function; Has not been previously published as pathogenic or benign to our knowledge

NM_001184880.2(PCDH19):c.1091C>T (p.Pro364Leu)

Gene: PCDH19 (protocadherin 19; minus strand). Cytogenetic location: Xq22.1.
Variant type: single nucleotide variant.
Coding change: c.1091C>T on transcript NM_001184880.2 (MANE Select); coding-DNA position 1091, C replaced by T.
Protein change: p.Pro364Leu; replaces proline 364 with leucine.
Molecular consequence: missense variant.
Genome position (GRCh38, 1-based): chrX:100,407,507, G>A on the plus strand (C>T on the coding strand, the complement: PCDH19 is on the minus strand). VCF-style: chrX-100407507-G-A. GRCh37 (hg19) VCF-style: chrX-99662505-G-A.
Other names: c.1091C>T, p.Pro364Leu (NM_001105243.2, NM_020766.3); short protein forms P364L.
Identifiers: ClinVar variation 3767557 (VCV003767557.1).